The following is an entry in ClinVar:

ClinVar aggregate classification (germline): Pathogenic/Likely pathogenic. Review status: criteria provided, multiple submitters, no conflicts (2 of 4 stars). 2 submissions from 2 submitters: Pathogenic (1); Likely pathogenic (1). Last evaluated 2023-10-11.

Conditions:
RYR1-related disorder. Also called: RYR1-related condition; RYR1-related disorders. Identifiers: MedGen CN239331.

Submissions (2):

Labcorp Genetics (formerly Invitae), Labcorp
Classification: Likely pathogenic for RYR1-related disorder. Last evaluated: 2023-10-11. Review status: criteria provided, single submitter. Criteria: Invitae Variant Classification Sherloc (09022015). Collection method: clinical testing. Allele origin: germline.
Comment: This sequence change affects an acceptor splice site in intron 21 of the RYR1 gene. It is expected to disrupt RNA splicing. Variants that disrupt the donor or acceptor splice site typically lead to a loss of protein function (PMID: 16199547), and loss-of-function variants in RYR1 are known to be pathogenic (PMID: 23919265, 25960145, 28818389, 30611313). This variant is not present in population databases (gnomAD no frequency). Disruption of this splice site has been observed in individual(s) with clinical features of RYR1-related conditions (PMID: 25683120). ClinVar contains an entry for this variant (Variation ID: 1678712). Algorithms developed to predict the effect of sequence changes on RNA splicing suggest that this variant may disrupt the consensus splice site. In summary, the currently available evidence indicates that the variant is pathogenic, but additional data are needed to prove that conclusively. Therefore, this variant has been classified as Likely Pathogenic.

GeneDx
Classification: Pathogenic. Last evaluated: 2022-03-21. Review status: criteria provided, single submitter. Criteria: GeneDx Variant Classification Process June 2021. Collection method: clinical testing. Allele origin: germline. Affected: yes.
Comment: Reported in an individual with distal arthrogryposis who also harbored an RYR1 missense variant (Chong et al., 2015); Not observed at significant frequency in large population cohorts (gnomAD); Canonical splice site variant predicted to result in a null allele in a gene for which loss of function is a known mechanism of disease; This variant is associated with the following publications: (PMID: 25683120)

Literature cited by the submitters: PubMed 16199547 (cited by Labcorp Genetics (formerly Invitae), Labcorp); PubMed 23919265 (cited by Labcorp Genetics (formerly Invitae), Labcorp); PubMed 25960145 (cited by Labcorp Genetics (formerly Invitae), Labcorp); PubMed 28818389 (cited by Labcorp Genetics (formerly Invitae), Labcorp); PubMed 30611313 (cited by Labcorp Genetics (formerly Invitae), Labcorp); PubMed 25683120 (cited by Labcorp Genetics (formerly Invitae), Labcorp).

NM_000540.3(RYR1):c.2683-1G>A

Gene: RYR1 (ryanodine receptor 1; plus strand). Cytogenetic location: 19q13.2.
Variant type: single nucleotide variant.
Coding change: c.2683-1G>A on transcript NM_000540.3 (MANE Select); the canonical splice acceptor site of the intron before coding-DNA position 2683, G replaced by A.
Molecular consequence: splice acceptor variant.
Genome position (GRCh38, 1-based): chr19:38,463,746, G>A. VCF-style: chr19-38463746-G-A. GRCh37 (hg19) VCF-style: chr19-38954386-G-A.
Other names: c.2683-1G>A (NM_001042723.2).
Identifiers: ClinVar variation 1678712 (VCV001678712.7), dbSNP rs2145434598, ClinGen allele CA405632185.